The following is an entry in ClinVar:

ClinVar aggregate classification (germline): Uncertain significance. Review status: criteria provided, multiple submitters, no conflicts (2 of 4 stars). 2 submissions from 2 submitters: Uncertain significance (2). Last evaluated 2025-03-24.

Conditions:
Hypertrophic cardiomyopathy 19. Also called: Familial hypertrophic cardiomyopathy 19. Identifiers: MedGen CN077603, MONDO:0013476.

gnomAD v4.1: 4 of 1,613,950 alleles (0.00025%); highest among the groups gnomAD compares: Non-Finnish European, 0.00034%; no homozygotes.

Submissions (2):

Labcorp Genetics (formerly Invitae), Labcorp
Classification: Uncertain significance for Hypertrophic cardiomyopathy 19. Last evaluated: 2025-03-24. Review status: criteria provided, single submitter. Criteria: Invitae Variant Classification Sherloc (09022015). Collection method: clinical testing. Allele origin: germline.
Comment: This sequence change replaces aspartic acid, which is acidic and polar, with glutamic acid, which is acidic and polar, at codon 344 of the CALR3 protein (p.Asp344Glu). This variant is present in population databases (no rsID available, gnomAD 0.002%). This variant has not been reported in the literature in individuals affected with CALR3-related conditions. Invitae Evidence Modeling of protein sequence and biophysical properties (such as structural, functional, and spatial information, amino acid conservation, physicochemical variation, residue mobility, and thermodynamic stability) indicates that this missense variant is not expected to disrupt CALR3 protein function with a negative predictive value of 80%. In summary, the available evidence is currently insufficient to determine the role of this variant in disease. Therefore, it has been classified as a Variant of Uncertain Significance.

Ambry Genetics
Classification: Uncertain significance. Last evaluated: 2025-01-24. Review status: criteria provided, single submitter. Criteria: Ambry Variant Classification Scheme 2023. Collection method: clinical testing. Allele origin: germline.

NM_145046.5(CALR3):c.1032T>A (p.Asp344Glu)

Gene: CALR3 (calreticulin 3; minus strand). Cytogenetic location: 19p13.11.
Variant type: single nucleotide variant.
Coding change: c.1032T>A on transcript NM_145046.5 (MANE Select); coding-DNA position 1032, T replaced by A.
Protein change: p.Asp344Glu; replaces aspartic acid 344 with glutamic acid.
Molecular consequence: missense variant.
Genome position (GRCh38, 1-based): chr19:16,479,254, A>T on the plus strand (T>A on the coding strand, the complement: CALR3 is on the minus strand). VCF-style: chr19-16479254-A-T. GRCh37 (hg19) VCF-style: chr19-16590065-A-T.
Other names: short protein forms D344E.
Identifiers: ClinVar variation 3826977 (VCV003826977.2).